The following is an entry in ClinVar:

NM_000182.5(HADHA):c.1086-2_1089delinsTATTCTTTTCATCCTTGC

Genes: GAREM2 (GRB2 associated regulator of MAPK1 subtype 2; plus strand), HADHA (hydroxyacyl-CoA dehydrogenase trifunctional multienzyme complex subunit alpha; minus strand). Cytogenetic location: 2p23.3.
Variant type: Indel.
Coding change: c.1086-2_1089delinsTATTCTTTTCATCCTTGC on transcript NM_000182.5 (MANE Select); the canonical splice acceptor site of the intron before coding-DNA position 1086 through coding-DNA position 1089, AGGCAT replaced by TATTCTTTTCATCCTTGC.
Molecular consequence: splice acceptor variant.
Genome position (GRCh38, 1-based): chr2:26,204,193-26,204,198, ATGCCT replaced by GCAAGGATGAAAAGAATA on the plus strand (AGGCAT replaced by TATTCTTTTCATCCTTGC on the coding strand, the reverse complement: HADHA is on the minus strand). VCF-style: chr2-26204193-ATGCCT-GCAAGGATGAAAAGAATA. GRCh37 (hg19) VCF-style: chr2-26427062-ATGCCT-GCAAGGATGAAAAGAATA.
Identifiers: ClinVar variation 4817866 (VCV004817866.1).

ClinVar aggregate classification (germline): Likely pathogenic (1 of 4 stars; one submission).

Conditions:
Long chain 3-hydroxyacyl-CoA dehydrogenase deficiency. Also called: Deficiency of long-chain 3-hydroxyacyl-coenzyme A dehydrogenase; LCHAD Deficiency. Identifiers: Orphanet 5, MedGen C3711645, MONDO:0012173, OMIM 609016.

Submission:

Natera, Inc.
Classification: Likely pathogenic for Deficiency of long-chain 3-hydroxyacyl-coenzyme A dehydrogenase. Last evaluated: 2025-12-10. Review status: criteria provided, single submitter. Criteria: Natera Variant Classification Schema (03/2026). Collection method: clinical testing. Allele origin: germline.
Comment: The c.1086-2_1089delinsTATTCTTTTCATCCTTGC variant in HADHA is a canonical splice acceptor site variant predicted to affect pre-mRNA splicing, which may result in an abnormal transcript and altered protein product. This variant may result in a truncated or dysfunctional protein product. This variant is rare in the general population with a frequency below the threshold expected for the associated phenotype(s). Another variant at this same site results in an alteration predicted to cause a similar molecular effect has been observed in individual(s) with the associated phenotype. Given the available evidence, this variant is classified as Likely Pathogenic.